The following is an entry in ClinVar:

ClinVar aggregate classification (germline): Conflicting classifications of pathogenicity. Review status: criteria provided, conflicting classifications (1 of 4 stars). 7 submissions from 7 submitters: Uncertain significance (4); Likely benign (3). Last evaluated 2026-07-14.

Conditions:
Inborn genetic diseases. Identifiers: MedGen C0950123, MeSH D030342.
Congenital adrenal hyperplasia due to cytochrome P450 oxidoreductase deficiency. Also called: DISORDERED STEROIDOGENESIS DUE TO POR DEFICIENCY. Identifiers: Orphanet 95699, MedGen C1860042, MONDO:0013310, OMIM 613571.
Antley-Bixler syndrome with genital anomalies and disordered steroidogenesis (ABS1). Also called: POR Deficiency. Identifiers: Orphanet 63269, MedGen C3150099, MONDO:0008726, OMIM 201750.
Antley-Bixler syndrome without genital anomalies or disordered steroidogenesis (ABS2). Also called: Trapezoidocephaly synostosis syndrome; Osteodysgenesis, multisynostotic with fractures; Antley-Bixler Syndrome, Autosomal Dominant; MULTISYNOSTOTIC OSTEODYSGENESIS WITH LONG BONE FRACTURES. Identifiers: Orphanet 596008, Orphanet 83, MedGen C2936791, MONDO:0020667, OMIM 207410.
POR-related disorder. Also called: POR-related condition.

Allele frequency attached by ClinVar (database versions not stated): gnomAD 0.00001 and 0.00013; TOPMed 0.00003; ESP Exome Variant Server 0.00008; gnomAD exomes 0.00022 and 0.00046; 1000 Genomes Project 30x 0.00094; ExAC 0.00103; 1000 Genomes Project 0.00120.
gnomAD v4.1: 337 of 1,587,314 alleles (0.021%); highest among the groups gnomAD compares: South Asian, 0.34%; 2 homozygotes.

Submissions (7):

PreventionGenetics, part of Exact Sciences
Classification: Likely benign for POR-related condition. Last evaluated: 2026-07-14. Review status: criteria provided, single submitter. Criteria: ACMG Guidelines, 2015. Collection method: clinical testing. Allele origin: germline.
Comment: This variant is classified as likely benign based on ACMG/AMP sequence variant interpretation guidelines (Richards et al. 2015 PMID: 25741868, with internal and published modifications).

Labcorp Genetics (formerly Invitae), Labcorp
Classification: Likely benign for Congenital adrenal hyperplasia due to cytochrome P450 oxidoreductase deficiency. Last evaluated: 2026-01-26. Review status: criteria provided, single submitter. Criteria: Invitae Variant Classification Sherloc (09022015). Collection method: clinical testing. Allele origin: germline.

Blueprint Genetics
Classification: Likely benign. Last evaluated: 2024-11-15. Review status: criteria provided, single submitter. Criteria: ACMG Guidelines, 2015. Collection method: clinical testing. Allele origin: germline.

Ambry Genetics
Classification: Uncertain significance for Inborn genetic diseases. Last evaluated: 2024-01-03. Review status: criteria provided, single submitter. Criteria: Ambry Variant Classification Scheme 2023. Collection method: clinical testing. Allele origin: germline.

Fulgent Genetics
Classification: Uncertain significance for Antley-Bixler syndrome with genital anomalies and disordered steroidogenesis; Antley-Bixler syndrome without genital anomalies or disordered steroidogenesis; Congenital adrenal hyperplasia due to cytochrome P450 oxidoreductase deficiency. Last evaluated: 2021-07-04. Review status: criteria provided, single submitter. Criteria: ACMG Guidelines, 2015. Collection method: clinical testing. Allele origin: unknown.

Revvity Omics, Revvity
Classification: Uncertain significance. Last evaluated: 2020-03-17. Review status: criteria provided, single submitter. Criteria: ACMG Guidelines, 2015. Collection method: clinical testing. Allele origin: germline.

Illumina Laboratory Services, Illumina
Classification: Uncertain significance for Congenital adrenal hyperplasia due to cytochrome P450 oxidoreductase deficiency. Last evaluated: 2018-01-13. Review status: criteria provided, single submitter. Criteria: ICSL Variant Classification Criteria 13 December 2019. Collection method: clinical testing. Allele origin: germline.

NM_001395413.1(POR):c.1706C>T (p.Ser569Leu)

Gene: POR (cytochrome p450 oxidoreductase; plus strand). Cytogenetic location: 7q11.23.
Variant type: single nucleotide variant.
Coding change: c.1706C>T on transcript NM_001395413.1 (MANE Select); coding-DNA position 1706, C replaced by T.
Protein change: p.Ser569Leu; replaces serine 569 with leucine.
Molecular consequence: missense variant.
Genome position (GRCh38, 1-based): chr7:75,985,968, C>T. VCF-style: chr7-75985968-C-T. GRCh37 (hg19) VCF-style: chr7-75615286-C-T.
Other names: c.1706C>T, p.Ser569Leu (NM_001367562.3, NM_001382657.2, NM_001382658.3 and 1 more transcripts); c.1760C>T, p.Ser587Leu (NM_001382655.3); c.1556C>T, p.Ser519Leu (NM_001382662.3); c.1715C>T (NM_000941.3); short protein forms S519L, S569L, S587L.
Identifiers: ClinVar variation 910469 (VCV000910469.14), dbSNP rs370645073, ClinGen allele CA4304260.